The following is an entry in ClinVar:

ClinVar aggregate classification (germline): Uncertain significance. Review status: criteria provided, single submitter (1 of 4 stars). 2 submissions from 2 submitters: Uncertain significance (1). 1 of the submissions does not count toward it. Last evaluated 2021-07-31.

Conditions:
Sandhoff disease. Also called: Beta-hexosaminidase-beta-subunit deficiency; GM2 gangliosidosis, type 2; Total hexosaminidase deficiency; Sandhoff-Jatzkewitz-Pilz disease; GM2-GANGLIOSIDOSIS, TYPE II; HEXOSAMINIDASES A AND B DEFICIENCY. Identifiers: Orphanet 796, MedGen C0036161, MONDO:0010006, OMIM 268800.

Allele frequency attached by ClinVar (database versions not stated): TOPMed 0.00001.
gnomAD v4.1: 1 of 1,613,576 alleles (0.000062%); no homozygotes.

Submissions (2):

Labcorp Genetics (formerly Invitae), Labcorp
Classification: Uncertain significance for Sandhoff disease. Last evaluated: 2021-07-31. Review status: criteria provided, single submitter. Criteria: Invitae Variant Classification Sherloc (09022015). Collection method: clinical testing. Allele origin: germline.
Comment: This sequence change replaces isoleucine with serine at codon 131 of the HEXB protein (p.Ile131Ser). The isoleucine residue is moderately conserved and there is a large physicochemical difference between isoleucine and serine. This variant is not present in population databases (ExAC no frequency). This variant has not been reported in the literature in individuals affected with HEXB-related conditions. Advanced modeling of protein sequence and biophysical properties (such as structural, functional, and spatial information, amino acid conservation, physicochemical variation, residue mobility, and thermodynamic stability) performed at Invitae indicates that this missense variant is not expected to disrupt HEXB protein function. Algorithms developed to predict the effect of sequence changes on RNA splicing suggest that this variant may create or strengthen a splice site. In summary, the available evidence is currently insufficient to determine the role of this variant in disease. Therefore, it has been classified as a Variant of Uncertain Significance.

Natera, Inc.
Classification: Uncertain significance for Sandhoff disease. Last evaluated: 2025-03-24. Review status: no assertion criteria provided. Collection method: clinical testing. Allele origin: germline. Not counted in ClinVar's aggregate classification.

NM_000521.4(HEXB):c.392T>G (p.Ile131Ser)

Gene: HEXB (hexosaminidase subunit beta; plus strand). Cytogenetic location: 5q13.3.
Variant type: single nucleotide variant.
Coding change: c.392T>G on transcript NM_000521.4 (MANE Select); coding-DNA position 392, T replaced by G.
Protein change: p.Ile131Ser; replaces isoleucine 131 with serine.
Molecular consequence: missense variant. On other transcripts: 5 prime UTR variant (1).
Genome position (GRCh38, 1-based): chr5:74,689,420, T>G. VCF-style: chr5-74689420-T-G. GRCh37 (hg19) VCF-style: chr5-73985245-T-G.
Other names: c.-284T>G (NM_001292004.2); c.392T>G (NM_000521.3); short protein forms I131S.
Identifiers: ClinVar variation 1371382 (VCV001371382.4), dbSNP rs1748945643, ClinGen allele CA360063055.